The following is an entry in ClinVar:

NM_080669.6(SLC46A1):c.518C>A (p.Ser173Tyr)

Gene: SLC46A1 (solute carrier family 46 member 1; minus strand). Cytogenetic location: 17q11.2.
Variant type: single nucleotide variant.
Coding change: c.518C>A on transcript NM_080669.6 (MANE Select); coding-DNA position 518, C replaced by A.
Protein change: p.Ser173Tyr; replaces serine 173 with tyrosine.
Molecular consequence: missense variant.
Genome position (GRCh38, 1-based): chr17:28,405,179, G>T on the plus strand (C>A on the coding strand, the complement: SLC46A1 is on the minus strand). VCF-style: chr17-28405179-G-T. GRCh37 (hg19) VCF-style: chr17-26732197-G-T.
Other names: c.518C>A, p.Ser173Tyr (NM_001242366.3); short protein forms S173Y.
Identifiers: ClinVar variation 1383955 (VCV001383955.6), dbSNP rs561344388, ClinGen allele CA398351174.

ClinVar aggregate classification (germline): Uncertain significance (1 of 4 stars; one submission).

Submission:

Labcorp Genetics (formerly Invitae), Labcorp
Classification: Uncertain significance. Last evaluated: 2022-06-28. Review status: criteria provided, single submitter. Criteria: Invitae Variant Classification Sherloc (09022015). Collection method: clinical testing. Allele origin: germline.
Comment: This variant has not been reported in the literature in individuals affected with SLC46A1-related conditions. In summary, the available evidence is currently insufficient to determine the role of this variant in disease. Therefore, it has been classified as a Variant of Uncertain Significance. Experimental studies and prediction algorithms are not available or were not evaluated, and the functional significance of this variant is currently unknown. This variant is not present in population databases (gnomAD no frequency). This sequence change replaces serine with tyrosine at codon 173 of the SLC46A1 protein (p.Ser173Tyr). The serine residue is weakly conserved and there is a large physicochemical difference between serine and tyrosine.